The following is an entry in ClinVar:

NM_002334.4(LRP4):c.2747G>A (p.Arg916His)

Gene: LRP4 (LDL receptor related protein 4; minus strand). Cytogenetic location: 11p11.2.
Variant type: single nucleotide variant.
Coding change: c.2747G>A on transcript NM_002334.4 (MANE Select); coding-DNA position 2747, G replaced by A.
Protein change: p.Arg916His; replaces arginine 916 with histidine.
Molecular consequence: missense variant.
Genome position (GRCh38, 1-based): chr11:46,881,769, C>T on the plus strand (G>A on the coding strand, the complement: LRP4 is on the minus strand). VCF-style: chr11-46881769-C-T. GRCh37 (hg19) VCF-style: chr11-46903320-C-T.
Other names: c.2747G>A (NM_002334.3); short protein forms R916H.
Identifiers: ClinVar variation 1415683 (VCV001415683.10), dbSNP rs752315031, ClinGen allele CA5969811.

ClinVar aggregate classification (germline): Uncertain significance. Review status: criteria provided, multiple submitters, no conflicts (2 of 4 stars). 4 submissions from 4 submitters: Uncertain significance (3). 1 of the submissions does not count toward it. Last evaluated 2025-10-02.

Conditions:
LRP4-related disorder. Also called: LRP4-related condition.
Sclerosteosis 2 (SOST2). Identifiers: Orphanet 3152, MedGen C3280402, MONDO:0013679, OMIM 614305.
Congenital myasthenic syndrome 17. Identifiers: Orphanet 590, MedGen C4225377, MONDO:0014578, OMIM 616304.
Cenani-Lenz syndactyly syndrome. Also called: SYNDACTYLY, TYPE VII; CENANI SYNDACTYLISM. Identifiers: Orphanet 3258, MedGen C1859309, MONDO:0008931, OMIM 212780.

Allele frequency attached by ClinVar (database versions not stated): gnomAD exomes 0.00003 and 0.00002; TOPMed 0.00003; ExAC 0.00005; gnomAD 0.00002.
gnomAD v4.1: 33 of 1,613,828 alleles (0.002%); highest among the groups gnomAD compares: Middle Eastern, 0.016%; no homozygotes.

Submissions (4):

Labcorp Genetics (formerly Invitae), Labcorp
Classification: Uncertain significance for Cenani-Lenz syndactyly syndrome; Sclerosteosis 2; Congenital myasthenic syndrome 17. Last evaluated: 2025-10-02. Review status: criteria provided, single submitter. Criteria: Invitae Variant Classification Sherloc (09022015). Collection method: clinical testing. Allele origin: germline.
Comment: This sequence change replaces arginine, which is basic and polar, with histidine, which is basic and polar, at codon 916 of the LRP4 protein (p.Arg916His). This variant is present in population databases (rs752315031, gnomAD 0.006%). This variant has not been reported in the literature in individuals affected with LRP4-related conditions. ClinVar contains an entry for this variant (Variation ID: 1415683). Invitae Evidence Modeling of protein sequence and biophysical properties (such as structural, functional, and spatial information, amino acid conservation, physicochemical variation, residue mobility, and thermodynamic stability) has been performed for this missense variant. However, the output from this modeling did not meet the statistical confidence thresholds required to predict the impact of this variant on LRP4 protein function. In summary, the available evidence is currently insufficient to determine the role of this variant in disease. Therefore, it has been classified as a Variant of Uncertain Significance.

Women's Health and Genetics/Laboratory Corporation of America, LabCorp
Classification: Uncertain significance. Last evaluated: 2025-03-24. Review status: criteria provided, single submitter. Criteria: LabCorp Variant Classification Summary - May 2015. Collection method: clinical testing. Allele origin: germline.
Comment: Variant summary: LRP4 c.2747G>A (p.Arg916His) results in a non-conservative amino acid change in the encoded protein sequence. Four of five in-silico tools predict a damaging effect of the variant on protein function. The variant allele was found at a frequency of 2.8e-05 in 251476 control chromosomes. The available data on variant occurrences in the general population are insufficient to allow any conclusion about variant significance. To our knowledge, no occurrence of c.2747G>A in individuals affected with LRP4-Related Disorders and no experimental evidence demonstrating its impact on protein function have been reported. ClinVar contains an entry for this variant (Variation ID: 1415683). Based on the evidence outlined above, the variant was classified as uncertain significance.

Fulgent Genetics
Classification: Uncertain significance for Cenani-Lenz syndactyly syndrome; Sclerosteosis 2; Congenital myasthenic syndrome 17. Last evaluated: 2022-01-29. Review status: criteria provided, single submitter. Criteria: ACMG Guidelines, 2015. Collection method: clinical testing. Allele origin: unknown.

PreventionGenetics, part of Exact Sciences
Classification: Uncertain significance for LRP4-related condition. Last evaluated: 2024-03-05. Review status: no assertion criteria provided. Collection method: clinical testing. Allele origin: germline. Not counted in ClinVar's aggregate classification.
Comment: The LRP4 c.2747G>A variant is predicted to result in the amino acid substitution p.Arg916His. To our knowledge, this variant has not been reported in the literature. This variant is reported in 0.0058% of alleles in individuals of Latino descent in gnomAD. At this time, the clinical significance of this variant is uncertain due to the absence of conclusive functional and genetic evidence.